The following is an entry in ClinVar:

ClinVar aggregate classification (germline): Benign. Review status: criteria provided, multiple submitters, no conflicts (2 of 4 stars). 2 submissions from 2 submitters: Benign (2). Last evaluated 2016-03-28.

Allele frequency attached by ClinVar (database versions not stated): 1000 Genomes Project 30x 0.01452; 1000 Genomes Project 0.01478; gnomAD 0.02482 and 0.02559; ESP Exome Variant Server 0.02529; gnomAD exomes 0.02617 and 0.02972; ExAC 0.02738.
gnomAD v4.1: 47,015 of 1,613,430 alleles (2.9%); highest among the groups gnomAD compares: Non-Finnish European, 3.2%; 10 homozygotes.

Submissions (2):

Laboratory for Molecular Medicine, Mass General Brigham Personalized Medicine
Classification: Benign. Last evaluated: 2016-03-28. Review status: criteria provided, single submitter. Criteria: LMM Criteria. Collection method: clinical testing. Allele origin: germline.
Comment: Variant identified in a genome or exome case(s) and assessed due to predicted null impact of the variant or pathogenic assertions in the literature or databases. Disclaimer: This variant has not undergone full assessment. The following are preliminary notes: Frequency

Breakthrough Genomics
Classification: Benign. Review status: criteria provided, single submitter. Criteria: ACMG Guidelines, 2015. Collection method: not provided. Allele origin: germline. Inheritance: Autosomal dominant inheritance. Affected: yes.

NM_002458.3(MUC5B):c.5822C>G (p.Thr1941Ser)

Genes: MUC5B (mucin 5B, oligomeric mucus/gel-forming; plus strand), MUC5B-AS1 (MUC5B antisense RNA 1; minus strand). Cytogenetic location: 11p15.5.
Variant type: single nucleotide variant.
Coding change: c.5822C>G on transcript NM_002458.3 (MANE Select); coding-DNA position 5822, C replaced by G.
Protein change: p.Thr1941Ser; replaces threonine 1941 with serine.
Molecular consequence: missense variant.
Genome position (GRCh38, 1-based): chr11:1,242,702, C>G. VCF-style: chr11-1242702-C-G. GRCh37 (hg19) VCF-style: chr11-1263932-C-G.
Other names: short protein forms T1941S.
Identifiers: ClinVar variation 403132 (VCV000403132.5), dbSNP rs183657141, ClinGen allele CA5805806.
Genomic context (GRCh38, chr11:1,242,702, plus strand): 5'-GATCCACGGCCACCCCGACCTCCACCCTGAGAACAGCTCCCCCTCCCAAAGTGCTGACCA[C>G]CACGGCCACCACACCCACAGTCACCAGCTCCAAAGCCACTCCCTCCTCCAGTCCAGGGAC-3'
Protein context (NP_002449.2, residues 1931-1951): RTAPPPKVLT[Thr1941Ser]TATTPTVTSS